The following is an entry in ClinVar:

ClinVar aggregate classification (germline): Likely pathogenic (1 of 4 stars; one submission).

Submission:

CeGaT Center for Human Genetics Tuebingen
Classification: Likely pathogenic. Last evaluated: 2026-09-01. Review status: criteria provided, single submitter. Criteria: CeGaT Center For Human Genetics Tuebingen Variant Classification Criteria Version 2. Collection method: clinical testing. Allele origin: germline. Affected: yes. Observed: 1 variant allele.
Comment: RNF216: PVS1:Strong, PM2

NM_207111.4(RNF216):c.2440_2444del (p.Arg814fs)

Gene: RNF216 (ring finger protein 216; minus strand). Cytogenetic location: 7p22.1.
Variant type: Microsatellite.
Coding change: c.2440_2444del on transcript NM_207111.4 (MANE Select); coding-DNA positions 2440 to 2444, 5 bases deleted (AGAAA; older notation c.2440_2444delAGAAA).
Protein change: p.Arg814fs; shifts the reading frame from arginine 814.
Molecular consequence: frameshift variant.
Genome position (GRCh38, 1-based): chr7:5,624,064-5,624,068, TTTCT deleted on the plus strand (AGAAA on the coding strand, the reverse complement: RNF216 is on the minus strand); deleting any 5 consecutive bases within chr7:5,624,064-5,624,073 gives the same sequence; the c. name uses the placement nearest the transcript's 3' end. VCF-style (leftmost placement, unchanged base first): chr7-5624063-CTTTCT-C. GRCh37 (hg19) VCF-style: chr7-5663694-CTTTCT-C.
Other names: c.2269_2273del, p.Arg757fs (NM_001377156.1, NM_207116.3); short protein forms R757fs, R814fs.
Identifiers: ClinVar variation 5041813 (VCV005041813.1).